The following is an entry in ClinVar:

NM_003590.5(CUL3):c.1246A>G (p.Met416Val)

Gene: CUL3 (cullin 3; minus strand). Cytogenetic location: 2q36.2.
Variant type: single nucleotide variant.
Coding change: c.1246A>G on transcript NM_003590.5 (MANE Select); coding-DNA position 1246, A replaced by G.
Protein change: p.Met416Val; replaces methionine 416 with valine.
Molecular consequence: missense variant.
Genome position (GRCh38, 1-based): chr2:224,503,783, T>C on the plus strand (A>G on the coding strand, the complement: CUL3 is on the minus strand). VCF-style: chr2-224503783-T-C. GRCh37 (hg19) VCF-style: chr2-225368500-T-C.
Other names: c.1048A>G, p.Met350Val (NM_001257197.2); c.1264A>G, p.Met422Val (NM_001257198.2); short protein forms M350V, M416V, M422V.
Identifiers: ClinVar variation 3359571 (VCV003359571.1).

ClinVar aggregate classification (germline): Uncertain significance (1 of 4 stars; one submission).

gnomAD v4.1: 3 of 1,599,486 alleles (0.00019%); highest among the groups gnomAD compares: Non-Finnish European, 0.00026%; no homozygotes.

Submission:

GeneDx
Classification: Uncertain significance. Last evaluated: 2023-06-12. Review status: criteria provided, single submitter. Criteria: GeneDx Variant Classification Process June 2021. Collection method: clinical testing. Allele origin: germline. Affected: yes.
Comment: Not observed at significant frequency in large population cohorts (gnomAD); In silico analysis supports that this missense variant has a deleterious effect on protein structure/function; In silico analysis is inconclusive as to whether the variant alters gene splicing. In the absence of RNA/functional studies, the actual effect of this sequence change is unknown.; Has not been previously published as pathogenic or benign to our knowledge